The following is an entry in ClinVar:

NM_032447.5(FBN3):c.713C>T (p.Pro238Leu)

Gene: FBN3 (fibrillin 3; minus strand). Cytogenetic location: 19p13.2.
Variant type: single nucleotide variant.
Coding change: c.713C>T on transcript NM_032447.5 (MANE Select); coding-DNA position 713, C replaced by T.
Protein change: p.Pro238Leu; replaces proline 238 with leucine.
Molecular consequence: missense variant.
Genome position (GRCh38, 1-based): chr19:8,141,966, G>A on the plus strand (C>T on the coding strand, the complement: FBN3 is on the minus strand). VCF-style: chr19-8141966-G-A. GRCh37 (hg19) VCF-style: chr19-8206850-G-A.
Other names: c.713C>T (NM_032447.3, NM_001321431.1); c.713C>T, p.Pro238Leu (NM_001321431.2); short protein forms P238L.
Identifiers: ClinVar variation 739911 (VCV000739911.12), dbSNP rs144238038, ClinGen allele CA9153628.

ClinVar aggregate classification (germline): Conflicting classifications of pathogenicity. Review status: criteria provided, conflicting classifications (1 of 4 stars). 4 submissions from 4 submitters: Uncertain significance (1); Likely benign (2). 1 of the submissions does not count toward it. Last evaluated 2025-11-18.

Conditions:
FBN3-related disorder. Also called: FBN3-related condition.

Allele frequency attached by ClinVar (database versions not stated): ESP Exome Variant Server 0.00100; gnomAD 0.00114 and 0.00118; TOPMed 0.00121; 1000 Genomes Project 0.00260; 1000 Genomes Project 30x 0.00265.

Submissions (4):

Labcorp Genetics (formerly Invitae), Labcorp
Classification: Likely benign. Last evaluated: 2025-11-18. Review status: criteria provided, single submitter. Criteria: Invitae Variant Classification Sherloc (09022015). Collection method: clinical testing. Allele origin: germline.

Ambry Genetics
Classification: Uncertain significance. Last evaluated: 2025-08-21. Review status: criteria provided, single submitter. Criteria: Ambry Variant Classification Scheme 2023. Collection method: clinical testing. Allele origin: germline.

Breakthrough Genomics
Classification: Likely benign. Review status: criteria provided, single submitter. Criteria: ACMG Guidelines, 2015. Collection method: not provided. Allele origin: germline. Inheritance: Unknown mechanism. Affected: yes.

PreventionGenetics, part of Exact Sciences
Classification: Likely benign for FBN3-related condition. Last evaluated: 2020-11-24. Review status: no assertion criteria provided. Collection method: clinical testing. Allele origin: germline. Not counted in ClinVar's aggregate classification.
Comment: This variant is classified as likely benign based on ACMG/AMP sequence variant interpretation guidelines (Richards et al. 2015 PMID: 25741868, with internal and published modifications).